The following is an entry in ClinVar:

ClinVar aggregate classification (germline): Uncertain significance (1 of 4 stars; one submission).

Submission:

Labcorp Genetics (formerly Invitae), Labcorp
Classification: Uncertain significance. Last evaluated: 2025-10-08. Review status: criteria provided, single submitter. Criteria: Invitae Variant Classification Sherloc (09022015). Collection method: clinical testing. Allele origin: germline.
Comment: This sequence change replaces aspartic acid, which is acidic and polar, with asparagine, which is neutral and polar, at codon 520 of the IMPG1 protein (p.Asp520Asn). This variant is not present in population databases (gnomAD no frequency). This variant has not been reported in the literature in individuals affected with IMPG1-related conditions. An algorithm developed to predict the effect of missense changes on protein structure and function (PolyPhen-2) suggests that this variant is likely to be disruptive. In summary, the available evidence is currently insufficient to determine the role of this variant in disease. Therefore, it has been classified as a Variant of Uncertain Significance.

NM_001563.4(IMPG1):c.1558G>A (p.Asp520Asn)

Gene: IMPG1 (interphotoreceptor matrix proteoglycan 1; minus strand). Cytogenetic location: 6q14.1.
Variant type: single nucleotide variant.
Coding change: c.1558G>A on transcript NM_001563.4 (MANE Select); coding-DNA position 1558, G replaced by A.
Protein change: p.Asp520Asn; replaces aspartic acid 520 with asparagine.
Molecular consequence: missense variant.
Genome position (GRCh38, 1-based): chr6:75,950,828, C>T on the plus strand (G>A on the coding strand, the complement: IMPG1 is on the minus strand). VCF-style: chr6-75950828-C-T. GRCh37 (hg19) VCF-style: chr6-76660545-C-T.
Other names: c.1324G>A, p.Asp442Asn (NM_001282368.2); short protein forms D520N, D442N.
Identifiers: ClinVar variation 4728717 (VCV004728717.1).
Genomic context (GRCh38, chr6:75,950,828, plus strand): 5'-CATATTCGCTGAGCTCTGGTACCTCAGATGGGGCAGGAGTGTCAGACAGATCCATTTCAT[C>T]TAGGTGTCTGACCATATCTTCGCCACCTGCACTTGATCGGCTGTCATCTGAAGATGCAGG-3'
Protein context (NP_001554.2, residues 510-530): AGGEDMVRHL[Asp520Asn]EMDLSDTPAP